The following is an entry in ClinVar:

ClinVar aggregate classification (germline): Pathogenic (1 of 4 stars; one submission).

Conditions:
Mucopolysaccharidosis type 7 (MPS7). Also called: BETA-GLUCURONIDASE DEFICIENCY; GUSB DEFICIENCY; SLY SYNDROME; MPS VII. Identifiers: Orphanet 584, MedGen C0085132, MONDO:0009662, OMIM 253220.

Submission:

Labcorp Genetics (formerly Invitae), Labcorp
Classification: Pathogenic for Mucopolysaccharidosis type 7. Last evaluated: 2023-07-25. Review status: criteria provided, single submitter. Criteria: Invitae Variant Classification Sherloc (09022015). Collection method: clinical testing. Allele origin: germline.
Comment: For these reasons, this variant has been classified as Pathogenic. This variant has not been reported in the literature in individuals affected with GUSB-related conditions. This variant is not present in population databases (gnomAD no frequency). This sequence change creates a premature translational stop signal (p.Gly4Valfs*49) in the GUSB gene. It is expected to result in an absent or disrupted protein product. Loss-of-function variants in GUSB are known to be pathogenic (PMID: 19224584).

Literature cited by the submitters: PubMed 19224584.

NM_000181.4(GUSB):c.11_12del (p.Gly4fs)

Gene: GUSB (glucuronidase beta; minus strand). Cytogenetic location: 7q11.21.
Variant type: Deletion.
Coding change: c.11_12del on transcript NM_000181.4 (MANE Select); coding-DNA positions 11 to 12, 2 bases deleted (GG; older notation c.11_12delGG).
Protein change: p.Gly4fs; shifts the reading frame from glycine 4.
Molecular consequence: frameshift variant. On other transcripts: 5 prime UTR variant (2), non-coding transcript variant (1).
Genome position (GRCh38, 1-based): chr7:65,982,172-65,982,173, CC deleted on the plus strand (GG on the coding strand, the reverse complement: GUSB is on the minus strand); deleting any 2 consecutive bases within chr7:65,982,172-65,982,176 gives the same sequence; the c. name uses the placement nearest the transcript's 3' end. VCF-style (leftmost placement, unchanged base first): chr7-65982171-ACC-A. GRCh37 (hg19) VCF-style: chr7-65447158-ACC-A.
Other names: c.11_12del, p.Gly4fs (NM_001284290.2); c.-375_-374del (NM_001293104.2); c.-319_-318del (NM_001293105.2); short protein forms G4fs.
Identifiers: ClinVar variation 2806625 (VCV002806625.3), dbSNP rs1792080911, ClinGen allele CA2739266448.